The following is an entry in ClinVar:

NM_007294.4(BRCA1):c.4492C>G (p.Pro1498Ala)

Gene: BRCA1 (BRCA1 DNA repair associated; minus strand). Cytogenetic location: 17q21.31.
Variant type: single nucleotide variant.
Coding change: c.4492C>G on transcript NM_007294.4 (MANE Select); coding-DNA position 4492, C replaced by G.
Protein change: p.Pro1498Ala; replaces proline 1498 with alanine.
Molecular consequence: missense variant. On other transcripts: intron variant (3).
Genome position (GRCh38, 1-based): chr17:43,074,514, G>C on the plus strand (C>G on the coding strand, the complement: BRCA1 is on the minus strand). VCF-style: chr17-43074514-G-C. GRCh37 (hg19) VCF-style: chr17-41226531-G-C.
Other names: c.4348C>G, p.Pro1450Ala (NM_001407743.1, NM_001407744.1, NM_001407745.1 and 21 more transcripts); c.4345C>G, p.Pro1449Ala (NM_001407838.1, NM_001407839.1, NM_001407841.1 and 12 more transcripts); c.4492C>G, p.Pro1498Ala (NM_001407854.1, NM_001407593.1, NM_001407594.1 and 8 more transcripts); c.4489C>G, p.Pro1497Ala (NM_001407858.1, NM_001407859.1, NM_001407860.1 and 17 more transcripts); c.4486C>G, p.Pro1496Ala (NM_001407861.1, NM_001407627.1, NM_001407628.1 and 14 more transcripts); c.4291C>G, p.Pro1431Ala (NM_001407862.1); c.4366C>G, p.Pro1456Ala (NM_001407863.1, NM_001407939.1, NM_001407940.1 and 11 more transcripts); c.4285C>G, p.Pro1429Ala (NM_001407874.1, NM_001407875.1); and 71 more; short protein forms P1493A, P1494A, P1495A, P1496A, P1497A, P1498A, P1518A, P1519A.
Identifiers: ClinVar variation 3386162 (VCV003386162.1).
Genomic context (GRCh38, chr17:43,074,514, plus strand): 5'-GAAGACTCCCAGAGCAACTGTGCATGTACCACCTATCATCTAATGATGGGCATTTAGAAG[G>C]GGATGACCTAGAAAGATAAATGGAAGGAGAAAACCATCGCCACCAATTGTGAAAGGACAA-3'
Protein context (NP_009225.1, residues 1488-1508): NKEPGVERSS[Pro1498Ala]SKCPSLDDRW

ClinVar aggregate classification (germline): Uncertain significance (1 of 4 stars; one submission).

Conditions:
BRCA1-related cancer predisposition. Identifiers: MedGen CN377757, MONDO:0700268.

Submission:

All of Us Research Program, National Institutes of Health
Classification: Uncertain significance for BRCA1-related cancer predisposition. Last evaluated: 2024-02-22. Review status: criteria provided, single submitter. Criteria: ACMG Guidelines, 2015. Collection method: clinical testing. Allele origin: germline. Inheritance: Autosomal dominant inheritance. Observed: 1 variant allele, 1 heterozygote.
Comment: This missense variant replaces proline with alanine at codon 1498 of the BRCA1 protein. Computational prediction is inconclusive regarding the impact of this variant on protein structure and function. To our knowledge, functional studies have not been reported for this variant. This variant has not been reported in individuals affected with BRCA1-related disorders in the literature. This variant has not been identified in the general population by the Genome Aggregation Database (gnomAD). The available evidence is insufficient to determine the role of this variant in disease conclusively. Therefore, this variant is classified as a Variant of Uncertain Significance.

This study involves interpretation of variants in research participants for the purpose of population health screening. Participant phenotype was not available at the time of variant classification. Additional details can be found in publication PMID: 35346344, PMCID: PMC8962531